The following is an entry in ClinVar:

NM_000080.4(CHRNE):c.97AAC[1] (p.Asn34del)

Genes: C17orf107 (chromosome 17 open reading frame 107; plus strand), CHRNE (cholinergic receptor nicotinic epsilon subunit; minus strand). Cytogenetic location: 17p13.2.
Variant type: Microsatellite.
Coding change: c.97AAC[1] on transcript NM_000080.4 (MANE Select); one copy of the 3-base unit AAC starting at c.97; the reference has two copies in a row; one copy, 3 bases deleted.
Protein change: p.Asn34del; deletes asparagine 34.
Molecular consequence: 3 prime UTR variant (on NM_001145536.2).
Genome position (GRCh38, 1-based): chr17:4,902,708-4,902,710, GTT deleted on the plus strand (AAC on the coding strand, the reverse complement: CHRNE is on the minus strand); deleting any 3 consecutive bases within chr17:4,902,708-4,902,714 gives the same sequence; the position shown is the placement nearest the transcript's 3' end. VCF-style (leftmost placement, unchanged base first): chr17-4902707-AGTT-A. GRCh37 (hg19) VCF-style: chr17-4806002-AGTT-A.
Other names: c.*2176TTG[1] (NM_001145536.2); short protein forms N34del.
Identifiers: ClinVar variation 3906326 (VCV003906326.2).
Genomic context (GRCh38, chr17:4,902,707, plus strand): 5'-CCTTGAGGCTGATGGTGACAGTATCCTCAGGCTCCCGCACTGGCCGGCTTCCTGGGTCAT[AGTT>A]GTTGAAGAGATGGTGATAAAGACGCAGTTCCTCGTTCTTCCCCACACCCCTGCCTGCGAT-3'

ClinVar aggregate classification (germline): Uncertain significance. Review status: criteria provided, multiple submitters, no conflicts (2 of 4 stars). 2 submissions from 2 submitters: Uncertain significance (2). Last evaluated 2025-07-23.

Conditions:
Congenital myasthenic syndrome (CMS). Also called: Congenital Myasthenic Syndromes. Identifiers: Orphanet 590, MedGen C0751882, MeSH D020294, MONDO:0018940.

Submissions (2):

Myriad Genetics, Inc.
Classification: Uncertain significance for Congenital myasthenic syndrome. Last evaluated: 2025-07-23. Review status: criteria provided, single submitter. Criteria: Myriad Autosomal Dominant, Autosomal Recessive and X-Linked Classification Criteria (2023). Collection method: clinical testing. Allele origin: unknown.
Comment: NM_000080.3(CHRNE):c.100_102delAAC(N34del) is an in-frame deletion classified as a variant of uncertain significance in the context of congenital myasthenic syndrome, CHRNE-related. N34del has not been observed in cases with relevant disease. Relevant functional assessments of this variant are not available in the literature. N34del has not been observed in referenced population frequency databases. In summary, there is insufficient evidence to classify NM_000080.3(CHRNE):c.100_102delAAC(N34del) as pathogenic or benign. Please note: this variant was assessed in the context of healthy population screening.

GeneDx
Classification: Uncertain significance. Last evaluated: 2024-12-18. Review status: criteria provided, single submitter. Criteria: GeneDx Variant Classification Process June 2021. Collection method: clinical testing. Allele origin: germline. Affected: yes.
Comment: Not observed at significant frequency in large population cohorts (gnomAD); In-frame deletion of 1 amino acid in a non-repeat region; In silico analysis indicates that this variant does not alter protein structure/function; Has not been previously published as pathogenic or benign to our knowledge